The following is an entry in ClinVar:

ClinVar aggregate classification (germline): Uncertain significance (1 of 4 stars; one submission).

Allele frequency attached by ClinVar (database versions not stated): gnomAD exomes below 0.00001.
gnomAD v4.1: 2 of 1,363,122 alleles (0.00015%); highest among the groups gnomAD compares: Non-Finnish European, 0.00021%; no homozygotes.

Submission:

Labcorp Genetics (formerly Invitae), Labcorp
Classification: Uncertain significance. Last evaluated: 2022-05-25. Review status: criteria provided, single submitter. Criteria: Invitae Variant Classification Sherloc (09022015). Collection method: clinical testing. Allele origin: germline.
Comment: In summary, the available evidence is currently insufficient to determine the role of this variant in disease. Therefore, it has been classified as a Variant of Uncertain Significance. Algorithms developed to predict the effect of sequence changes on RNA splicing suggest that this variant may create or strengthen a splice site. Algorithms developed to predict the effect of missense changes on protein structure and function output the following: SIFT: "Tolerated"; PolyPhen-2: "Benign"; Align-GVGD: "Class C0". The serine amino acid residue is found in multiple mammalian species, which suggests that this missense change does not adversely affect protein function. This variant has not been reported in the literature in individuals affected with CEP78-related conditions. This variant is not present in population databases (gnomAD no frequency). This sequence change replaces leucine, which is neutral and non-polar, with serine, which is neutral and polar, at codon 407 of the CEP78 protein (p.Leu407Ser).

NM_001330691.3(CEP78):c.1217T>C (p.Leu406Ser)

Gene: CEP78 (centrosomal protein 78; plus strand). Cytogenetic location: 9q21.2.
Variant type: single nucleotide variant.
Coding change: c.1217T>C on transcript NM_001330691.3 (MANE Select); coding-DNA position 1217, T replaced by C.
Protein change: p.Leu406Ser; replaces leucine 406 with serine.
Molecular consequence: missense variant.
Genome position (GRCh38, 1-based): chr9:78,253,243, T>C. VCF-style: chr9-78253243-T-C. GRCh37 (hg19) VCF-style: chr9-80868159-T-C.
Other names: c.1220T>C, p.Leu407Ser (NM_001098802.3, NM_001349839.2, NM_001349840.2 and 1 more transcripts); c.1217T>C, p.Leu406Ser (NM_001330693.3, NM_001330694.2, NM_001349838.2); short protein forms L406S, L407S.
Identifiers: ClinVar variation 2132315 (VCV002132315.4), dbSNP rs2489459739, ClinGen allele CA373860134.